The following is an entry in ClinVar:

NM_000784.4(CYP27A1):c.455A>T (p.His152Leu)

Gene: CYP27A1 (cytochrome P450 family 27 subfamily A member 1; plus strand). Cytogenetic location: 2q35.
Variant type: single nucleotide variant.
Coding change: c.455A>T on transcript NM_000784.4 (MANE Select); coding-DNA position 455, A replaced by T.
Protein change: p.His152Leu; replaces histidine 152 with leucine.
Molecular consequence: missense variant.
Genome position (GRCh38, 1-based): chr2:218,812,230, A>T. VCF-style: chr2-218812230-A-T. GRCh37 (hg19) VCF-style: chr2-219676953-A-T.
Other names: c.455A>T (NM_000784.3); short protein forms H152L.
Identifiers: ClinVar variation 2139678 (VCV002139678.4), dbSNP rs768932304, ClinGen allele CA2112618.

ClinVar aggregate classification (germline): Uncertain significance. Review status: criteria provided, multiple submitters, no conflicts (2 of 4 stars). 3 submissions from 3 submitters: Uncertain significance (3). Last evaluated 2025-07-15.

Conditions:
Cardiovascular phenotype. Identifiers: MedGen CN230736.
Cholestanol storage disease (CTX). Also called: CTX: Cerebrotendinous xanthomatosis; CEREBRAL CHOLESTERINOSIS; Cerebrotendinous Xanthomatosis. Identifiers: Orphanet 909, MedGen C0238052, MONDO:0008948, OMIM 213700.

Allele frequency attached by ClinVar (database versions not stated): ExAC 0.00001; gnomAD exomes 0.00001.
gnomAD v4.1: 21 of 1,614,066 alleles (0.0013%); highest among the groups gnomAD compares: South Asian, 0.023%; no homozygotes.

Submissions (3):

Ambry Genetics
Classification: Uncertain significance for Cardiovascular phenotype. Last evaluated: 2025-07-15. Review status: criteria provided, single submitter. Criteria: Ambry Variant Classification Scheme 2023. Collection method: clinical testing. Allele origin: germline.

Labcorp Genetics (formerly Invitae), Labcorp
Classification: Uncertain significance for Cholestanol storage disease. Last evaluated: 2025-03-10. Review status: criteria provided, single submitter. Criteria: Invitae Variant Classification Sherloc (09022015). Collection method: clinical testing. Allele origin: germline.
Comment: This sequence change replaces histidine, which is basic and polar, with leucine, which is neutral and non-polar, at codon 152 of the CYP27A1 protein (p.His152Leu). This variant is present in population databases (rs768932304, gnomAD 0.01%). This variant has not been reported in the literature in individuals affected with CYP27A1-related conditions. ClinVar contains an entry for this variant (Variation ID: 2139678). Invitae Evidence Modeling of protein sequence and biophysical properties (such as structural, functional, and spatial information, amino acid conservation, physicochemical variation, residue mobility, and thermodynamic stability) indicates that this missense variant is not expected to disrupt CYP27A1 protein function with a negative predictive value of 80%. In summary, the available evidence is currently insufficient to determine the role of this variant in disease. Therefore, it has been classified as a Variant of Uncertain Significance.

GeneDx
Classification: Uncertain significance. Last evaluated: 2024-06-13. Review status: criteria provided, single submitter. Criteria: GeneDx Variant Classification Process June 2021. Collection method: clinical testing. Allele origin: germline. Affected: yes.
Comment: In silico analysis supports that this missense variant has a deleterious effect on protein structure/function; Has not been previously published as pathogenic or benign to our knowledge